The following is an entry in ClinVar:

ClinVar aggregate classification (germline): Likely pathogenic (1 of 4 stars; one submission).

Conditions:
RAB23-related Carpenter syndrome. Also called: Carpenter syndrome 1; ACPS II. Identifiers: Orphanet 65759, MedGen C4551510, MONDO:0008710, OMIM 201000.

Submission:

Natera, Inc.
Classification: Likely pathogenic for Carpenter syndrome 1. Last evaluated: 2024-11-10. Review status: criteria provided, single submitter. Criteria: Natera Variant Classification Schema (03/2026). Collection method: clinical testing. Allele origin: germline.
Comment: The c.156-1G>T variant in RAB23 is a canonical splice acceptor site variant predicted to affect pre-mRNA splicing, which may result in an abnormal transcript and altered protein product. This variant is expected to result in nonsense mediated decay, truncation, or a dysfunctional protein product. This variant is rare in the general population with a frequency below the threshold expected for the associated phenotype(s). Given the available evidence, this variant is classified as Likely Pathogenic.

NM_016277.5(RAB23):c.156-1G>T

Gene: RAB23 (RAB23, member RAS oncogene family; minus strand). Cytogenetic location: 6p11.2.
Variant type: single nucleotide variant.
Coding change: c.156-1G>T on transcript NM_016277.5 (MANE Select); the canonical splice acceptor site of the intron before coding-DNA position 156, G replaced by T.
Molecular consequence: splice acceptor variant.
Genome position (GRCh38, 1-based): chr6:57,207,714, C>A on the plus strand (G>T on the coding strand, the complement: RAB23 is on the minus strand). VCF-style: chr6-57207714-C-A. GRCh37 (hg19) VCF-style: chr6-57072512-C-A.
Other names: c.156-1G>T (NM_001278666.2, NM_001278667.2, NM_001278668.2 and 1 more transcripts).
Identifiers: ClinVar variation 4817031 (VCV004817031.1).